The following is an entry in ClinVar:

ClinVar aggregate classification (germline): Uncertain significance. Review status: criteria provided, multiple submitters, no conflicts (2 of 4 stars). 2 submissions from 2 submitters: Uncertain significance (2). Last evaluated 2024-09-18.

gnomAD v4.1: 49 of 1,613,842 alleles (0.003%); highest among the groups gnomAD compares: Middle Eastern, 0.099%; no homozygotes.

Submissions (2):

Blueprint Genetics
Classification: Uncertain significance. Last evaluated: 2024-09-18. Review status: criteria provided, single submitter. Criteria: ACMG Guidelines, 2015. Collection method: clinical testing. Allele origin: germline.

Labcorp Genetics (formerly Invitae), Labcorp
Classification: Uncertain significance. Last evaluated: 2022-04-08. Review status: criteria provided, single submitter. Criteria: Invitae Variant Classification Sherloc (09022015). Collection method: clinical testing. Allele origin: germline.
Comment: This sequence change replaces proline, which is neutral and non-polar, with alanine, which is neutral and non-polar, at codon 175 of the TULP1 protein (p.Pro175Ala). This variant is present in population databases (rs372126191, gnomAD 0.002%). This variant has not been reported in the literature in individuals affected with TULP1-related conditions. ClinVar contains an entry for this variant (Variation ID: 842430). Algorithms developed to predict the effect of missense changes on protein structure and function are either unavailable or do not agree on the potential impact of this missense change (SIFT: "Not Available"; PolyPhen-2: "Benign"; Align-GVGD: "Not Available"). In summary, the available evidence is currently insufficient to determine the role of this variant in disease. Therefore, it has been classified as a Variant of Uncertain Significance.

NM_003322.6(TULP1):c.523C>G (p.Pro175Ala)

Gene: TULP1 (TUB like protein 1; minus strand). Cytogenetic location: 6p21.31.
Variant type: single nucleotide variant.
Coding change: c.523C>G on transcript NM_003322.6 (MANE Select); coding-DNA position 523, C replaced by G.
Protein change: p.Pro175Ala; replaces proline 175 with alanine.
Molecular consequence: missense variant.
Genome position (GRCh38, 1-based): chr6:35,509,905, G>C on the plus strand (C>G on the coding strand, the complement: TULP1 is on the minus strand). VCF-style: chr6-35509905-G-C. GRCh37 (hg19) VCF-style: chr6-35477682-G-C.
Other names: c.364C>G, p.Pro122Ala (NM_001289395.2); short protein forms P175A, P122A.
Identifiers: ClinVar variation 842430 (VCV000842430.8), dbSNP rs372126191, ClinGen allele CA3772889.
Genomic context (GRCh38, chr6:35,509,905, plus strand): 5'-TCATCTTGGTCCCCTCCCCTGCTGGAGCTTCCTTATTCCTAACACGCAGAGGTTTCGGTG[G>C]GGGGTCAGGGCTTCCCAGGTCTCCTGGAAATGGAAGATGGGGGTCAGGCAAAGAAGGTGT-3'
Protein context (NP_003313.3, residues 165-185): PRGDLGSPDP[Pro175Ala]PKPLRVRNKE